The following is an entry in ClinVar:

NM_002878.4(RAD51D):c.967T>G (p.Leu323Val)

Genes: RAD51L3-RFFL (RAD51L3-RFFL readthrough; minus strand), RAD51D (RAD51 paralog D; minus strand). Cytogenetic location: 17q12.
Variant type: single nucleotide variant.
Coding change: c.967T>G on transcript NM_002878.4 (MANE Select); coding-DNA position 967, T replaced by G.
Protein change: p.Leu323Val; replaces leucine 323 with valine.
Molecular consequence: missense variant. On other transcripts: non-coding transcript variant (2).
Genome position (GRCh38, 1-based): chr17:35,100,973, A>C on the plus strand (T>G on the coding strand, the complement: RAD51D is on the minus strand). VCF-style: chr17-35100973-A-C. GRCh37 (hg19) VCF-style: chr17-33427992-A-C.
Other names: c.1027T>G, p.Leu343Val (NM_001142571.2); c.631T>G, p.Leu211Val (NM_133629.3); short protein forms L211V, L323V, L343V.
Identifiers: ClinVar variation 1416150 (VCV001416150.10), dbSNP rs1281036710, ClinGen allele CA399086064.

ClinVar aggregate classification (germline): Conflicting classifications of pathogenicity. Review status: criteria provided, conflicting classifications (1 of 4 stars). 2 submissions from 2 submitters: Uncertain significance (1); Likely benign (1). Last evaluated 2025-04-30.

Conditions:
Hereditary cancer-predisposing syndrome. Also called: Hereditary Cancer Syndrome; Tumor predisposition; Hereditary neoplastic syndrome; Neoplastic Syndromes, Hereditary. Identifiers: Orphanet 140162, MedGen C0027672, MeSH D009386, MONDO:0015356.
Breast-ovarian cancer, familial, susceptibility to, 4. Identifiers: Orphanet 145, MedGen C3280345, MONDO:0013669, OMIM 614291.

Allele frequency attached by ClinVar (database versions not stated): gnomAD 0.00001.
gnomAD v4.1: 1 of 1,613,204 alleles (0.000062%); highest among the groups gnomAD compares: African/African-American, 0.0013%; no homozygotes.

Submissions (2):

Labcorp Genetics (formerly Invitae), Labcorp
Classification: Uncertain significance for Breast-ovarian cancer, familial, susceptibility to, 4. Last evaluated: 2025-04-30. Review status: criteria provided, single submitter. Criteria: Invitae Variant Classification Sherloc (09022015). Collection method: clinical testing. Allele origin: germline.
Comment: This sequence change replaces leucine, which is neutral and non-polar, with valine, which is neutral and non-polar, at codon 323 of the RAD51D protein (p.Leu323Val). This variant is present in population databases (no rsID available, gnomAD 0.01%). This variant has not been reported in the literature in individuals affected with RAD51D-related conditions. ClinVar contains an entry for this variant (Variation ID: 1416150). An algorithm developed to predict the effect of missense changes on protein structure and function (PolyPhen-2) suggests that this variant is likely to be tolerated. In summary, the available evidence is currently insufficient to determine the role of this variant in disease. Therefore, it has been classified as a Variant of Uncertain Significance.

Ambry Genetics
Classification: Likely benign for Hereditary cancer-predisposing syndrome. Last evaluated: 2024-02-26. Review status: criteria provided, single submitter. Criteria: Ambry Variant Classification Scheme 2023. Collection method: clinical testing. Allele origin: germline.